The following is an entry in ClinVar:

ClinVar aggregate classification (germline): Uncertain significance. Review status: criteria provided, multiple submitters, no conflicts (2 of 4 stars). 2 submissions from 2 submitters: Uncertain significance (2). Last evaluated 2026-03-16.

Conditions:
Inborn genetic diseases. Identifiers: MedGen C0950123, MeSH D030342.

Allele frequency attached by ClinVar (database versions not stated): TOPMed below 0.00001.
gnomAD v4.1: 4 of 1,569,630 alleles (0.00025%); highest among the groups gnomAD compares: Admixed American, 0.0018%; no homozygotes.

Submissions (2):

GeneDx
Classification: Uncertain significance. Last evaluated: 2026-03-16. Review status: criteria provided, single submitter. Criteria: GeneDx Variant Classification Process June 2021. Collection method: clinical testing. Allele origin: germline.
Comment: Not observed at significant frequency in large population cohorts (gnomAD); In silico analysis supports that this missense variant has a deleterious effect on protein structure/function; Has not been previously published as pathogenic or benign to our knowledge

Ambry Genetics
Classification: Uncertain significance for Inborn genetic diseases. Last evaluated: 2020-07-21. Review status: criteria provided, single submitter. Criteria: Ambry Variant Classification Scheme 2023. Collection method: clinical testing. Allele origin: germline.
Comment: The p.S51L variant (also known as c.152C>T), located in coding exon 2 of the PRX gene, results from a C to T substitution at nucleotide position 152. The serine at codon 51 is replaced by leucine, an amino acid with dissimilar properties. This amino acid position is highly conserved in available vertebrate species. In addition, this alteration is predicted to be deleterious by in silico analysis. Since supporting evidence is limited at this time, the clinical significance of this alteration remains unclear.

NM_181882.3(PRX):c.152C>T (p.Ser51Leu)

Genes: PRX (periaxin; minus strand), LOC130064454 (ATAC-STARR-seq lymphoblastoid active region 14650; plus strand). Cytogenetic location: 19q13.2.
Variant type: single nucleotide variant.
Coding change: c.152C>T on transcript NM_181882.3 (MANE Select); coding-DNA position 152, C replaced by T.
Protein change: p.Ser51Leu; replaces serine 51 with leucine.
Molecular consequence: missense variant.
Genome position (GRCh38, 1-based): chr19:40,403,738, G>A on the plus strand (C>T on the coding strand, the complement: PRX is on the minus strand). VCF-style: chr19-40403738-G-A. GRCh37 (hg19) VCF-style: chr19-40909645-G-A.
Other names: c.437C>T, p.Ser146Leu (NM_001411127.1); c.152C>T, p.Ser51Leu (NM_020956.2); short protein forms S146L, S51L.
Identifiers: ClinVar variation 1774592 (VCV001774592.3), dbSNP rs2079512285, ClinGen allele CA405901760.